The following is an entry in ClinVar:

NM_001330568.2(USB1):c.-55-1174T>G

Genes: USB1 (U6 snRNA biogenesis phosphodiesterase 1; plus strand), LOC112469011 (Sharpr-MPRA regulatory region 3942; plus strand). Cytogenetic location: 16q21.
Variant type: single nucleotide variant.
Coding change: c.-55-1174T>G on transcript NM_001330568.2; 1174 bases into the intron before 55 bases upstream of the start codon, T replaced by G.
Molecular consequence: intron variant.
Genome position (GRCh38, 1-based): chr16:58,001,305, T>G. VCF-style: chr16-58001305-T-G. GRCh37 (hg19) VCF-style: chr16-58035209-T-G.
Identifiers: ClinVar variation 1706949 (VCV001706949.2), dbSNP rs76764258, ClinGen allele CA281629299.

ClinVar aggregate classification (germline): Likely benign (1 of 4 stars; one submission).

Allele frequency attached by ClinVar (database versions not stated): gnomAD 0.00921; gnomAD exomes 0.00102; 1000 Genomes Project 30x 0.00906; TOPMed 0.01035; 1000 Genomes Project 0.00938.
gnomAD v4.1: 2,023 of 730,338 alleles (0.28%); highest among the groups gnomAD compares: African/African-American, 3.1%; 36 homozygotes.

Submission:

GeneDx
Classification: Likely benign. Last evaluated: 2021-06-23. Review status: criteria provided, single submitter. Criteria: GeneDx Variant Classification Process June 2021. Collection method: clinical testing. Allele origin: germline. Affected: yes.
Comment: See Variant Classification Assertion Criteria.